The following is an entry in ClinVar:

ClinVar aggregate classification (germline): Uncertain significance (1 of 4 stars; one submission).

Conditions:
Hereditary spastic paraplegia 73. Also called: Spastic paraplegia 73, autosomal dominant. Identifiers: Orphanet 444099, MedGen C5568981, MONDO:0014568, OMIM 616282.

Allele frequency attached by ClinVar (database versions not stated): ExAC 0.00001; gnomAD exomes 0.00001; TOPMed 0.00001.
gnomAD v4.1: 2 of 1,613,740 alleles (0.00012%); highest among the groups gnomAD compares: Admixed American, 0.0017%; no homozygotes.

Submission:

Labcorp Genetics (formerly Invitae), Labcorp
Classification: Uncertain significance for Hereditary spastic paraplegia 73. Last evaluated: 2021-05-30. Review status: criteria provided, single submitter. Criteria: Invitae Variant Classification Sherloc (09022015). Collection method: clinical testing. Allele origin: germline.
Comment: In summary, the available evidence is currently insufficient to determine the role of this variant in disease. Therefore, it has been classified as a Variant of Uncertain Significance. Algorithms developed to predict the effect of missense changes on protein structure and function (SIFT, PolyPhen-2, Align-GVGD) all suggest that this variant is likely to be tolerated, but these predictions have not been confirmed by published functional studies and their clinical significance is uncertain. This variant has not been reported in the literature in individuals with CPT1C-related conditions. This variant is present in population databases (rs773593581, ExAC 0.006%). This sequence change replaces leucine with isoleucine at codon 316 of the CPT1C protein (p.Leu316Ile). The leucine residue is moderately conserved and there is a small physicochemical difference between leucine and isoleucine.

NM_001199753.2(CPT1C):c.979C>A (p.Leu327Ile)

Gene: CPT1C (carnitine palmitoyltransferase 1C; plus strand). Cytogenetic location: 19q13.33.
Variant type: single nucleotide variant.
Coding change: c.979C>A on transcript NM_001199753.2 (MANE Select); coding-DNA position 979, C replaced by A.
Protein change: p.Leu327Ile; replaces leucine 327 with isoleucine.
Molecular consequence: missense variant. On other transcripts: non-coding transcript variant (1).
Genome position (GRCh38, 1-based): chr19:49,705,923, C>A. VCF-style: chr19-49705923-C-A. GRCh37 (hg19) VCF-style: chr19-50209180-C-A.
Other names: c.946C>A, p.Leu316Ile (NM_001136052.3, NM_001378485.1, NM_001378487.1); c.979C>A, p.Leu327Ile (NM_001199752.3, NM_001378483.1, NM_001378484.1 and 3 more transcripts); c.1045C>A, p.Leu349Ile (NM_001378482.1); short protein forms L316I, L327I, L349I.
Identifiers: ClinVar variation 1442229 (VCV001442229.8), dbSNP rs773593581, ClinGen allele CA9582044.